The following is an entry in ClinVar:

ClinVar aggregate classification (germline): Pathogenic/Likely pathogenic. Review status: criteria provided, multiple submitters, no conflicts (2 of 4 stars). 7 submissions from 7 submitters: Pathogenic (5); Likely pathogenic (1). 1 of the submissions does not count toward it. Last evaluated 2025-11-10.

Conditions:
Phenylketonuria (PKU). Also called: Phenylketonuria (PKU); FOLLING DISEASE; OLIGOPHRENIA PHENYLPYRUVICA; Phenylketonurias. Identifiers: Orphanet 716, MedGen C0031485, MONDO:0009861, OMIM 261600. Disease mechanism: loss of function.

Submissions (7):

Natera, Inc.
Classification: Pathogenic for Phenylketonuria. Last evaluated: 2025-11-10. Review status: criteria provided, single submitter. Criteria: Natera Variant Classification Schema (03/2026). Collection method: clinical testing. Allele origin: germline.
Comment: The c.1045T>G variant in PAH is a missense variant predicted to cause substitution of serine to alanine at amino acid 349. This variant is rare in the general population with a frequency below the threshold expected for the associated phenotype(s). This variant has been observed in one or more individuals affected with the associated recessive disease, as either homozygous or compound heterozygous with a second variant (PMID: 28982351). Given the available evidence, this variant is classified as Pathogenic.

Women's Health and Genetics/Laboratory Corporation of America, LabCorp
Classification: Pathogenic for Phenylketonuria. Last evaluated: 2024-05-04. Review status: criteria provided, single submitter. Criteria: LabCorp Variant Classification Summary - May 2015. Collection method: clinical testing. Allele origin: germline.
Comment: Variant summary: PAH c.1045T>G (p.Ser349Ala) results in a conservative amino acid change located in the Aromatic amino acid hydroxylase, C-terminal domain (IPR019774) of the encoded protein sequence. Four of five in-silico tools predict a damaging effect of the variant on protein function. The variant was absent in 251198 control chromosomes. c.1045T>G has been reported in the literature in multiple homozygous and compound heterozygous individuals affected with Phenylalanine Hydroxylase Deficiency (Phenylketonuria). These data indicate that the variant is very likely to be associated with disease. A different variant affecting the same codon has been classified as pathogenic by our lab (c.1045T>C, S349P), supporting the critical relevance of codon 349 to PAH protein function. The following publications have been ascertained in the context of this evaluation (PMID: 26542770, 30050108). ClinVar contains an entry for this variant (Variation ID: 102490). Based on the evidence outlined above, the variant was classified as pathogenic.

Department of Human Genetics, Hannover Medical School
Classification: Likely pathogenic for Phenylketonuria. Last evaluated: 2024-04-03. Review status: criteria provided, single submitter. Criteria: ACMG Guidelines, 2015. Collection method: clinical testing. Allele origin: germline. Affected: yes.

Labcorp Genetics (formerly Invitae), Labcorp
Classification: Pathogenic for Phenylketonuria. Last evaluated: 2023-06-09. Review status: criteria provided, single submitter. Criteria: Invitae Variant Classification Sherloc (09022015). Collection method: clinical testing. Allele origin: germline.
Comment: For these reasons, this variant has been classified as Pathogenic. This variant disrupts the p.Ser349 amino acid residue in PAH. Other variant(s) that disrupt this residue have been determined to be pathogenic (PMID: 7860062, 8095248, 8268925, 8659548, 9399896, 9781015). This suggests that this residue is clinically significant, and that variants that disrupt this residue are likely to be disease-causing. Advanced modeling of protein sequence and biophysical properties (such as structural, functional, and spatial information, amino acid conservation, physicochemical variation, residue mobility, and thermodynamic stability) performed at Invitae indicates that this missense variant is expected to disrupt PAH protein function. ClinVar contains an entry for this variant (Variation ID: 102490). This missense change has been observed in individual(s) with phenylketonuria (PMID: 16256386, 29499199, 30050108). This variant is not present in population databases (gnomAD no frequency). This sequence change replaces serine, which is neutral and polar, with alanine, which is neutral and non-polar, at codon 349 of the PAH protein (p.Ser349Ala).

Baylor Genetics
Classification: Pathogenic for Phenylketonuria. Last evaluated: 2023-03-01. Review status: criteria provided, single submitter. Criteria: ACMG Guidelines, 2015. Collection method: clinical testing. Allele origin: unknown.

Juno Genomics, Hangzhou Juno Genomics, Inc
Classification: Pathogenic for Phenylketonuria. Review status: criteria provided, single submitter. Criteria: ACMG Guidelines, 2015. Collection method: clinical testing. Allele origin: germline. Affected: yes.
Comment: Absent from controls (or at extremely low frequency if recessive) in Genome Aggregation Database.;Novel missense change at an amino acid residue where a different missense change determined to be pathogenic has been seen before.;Multiple lines of computational evidence support a deleterious effect on the gene or gene product.;For recessive disorders, detected in trans with a pathogenic variant.;Patient's phenotype or family history is highly specific for a disease with a single genetic etiology.

DeBelle Laboratory for Biochemical Genetics, MUHC/MCH RESEARCH INSTITUTE
No classification provided. Review status: no classification provided. Collection method: not provided. Allele origin: not provided. Not counted in ClinVar's aggregate classification.

Literature cited by the submitters: PubMed 28982351 (cited by Natera, Inc.); PubMed 26542770 (cited by Women's Health and Genetics/Laboratory Corporation of America, LabCorp); PubMed 30050108 (cited by Women's Health and Genetics/Laboratory Corporation of America, LabCorp and Labcorp Genetics (formerly Invitae), Labcorp); PubMed 7860062 (cited by Labcorp Genetics (formerly Invitae), Labcorp); PubMed 8095248 (cited by Labcorp Genetics (formerly Invitae), Labcorp); PubMed 8268925 (cited by Labcorp Genetics (formerly Invitae), Labcorp); PubMed 8659548 (cited by Labcorp Genetics (formerly Invitae), Labcorp); PubMed 9399896 (cited by Labcorp Genetics (formerly Invitae), Labcorp); PubMed 9781015 (cited by Labcorp Genetics (formerly Invitae), Labcorp); PubMed 16256386 (cited by Labcorp Genetics (formerly Invitae), Labcorp); PubMed 29499199 (cited by Labcorp Genetics (formerly Invitae), Labcorp).

NM_000277.3(PAH):c.1045T>G (p.Ser349Ala)

Gene: PAH (phenylalanine hydroxylase; minus strand). Cytogenetic location: 12q23.2.
Variant type: single nucleotide variant.
Coding change: c.1045T>G on transcript NM_000277.3 (MANE Select); coding-DNA position 1045, T replaced by G.
Protein change: p.Ser349Ala; replaces serine 349 with alanine.
Molecular consequence: missense variant.
Genome position (GRCh38, 1-based): chr12:102,844,356, A>C on the plus strand (T>G on the coding strand, the complement: PAH is on the minus strand). VCF-style: chr12-102844356-A-C. GRCh37 (hg19) VCF-style: chr12-103238134-A-C.
Other names: c.1045T>G (NM_000277.2); c.1045T>G, p.Ser349Ala (NM_001354304.2); short protein forms S349A.
Identifiers: ClinVar variation 102490 (VCV000102490.14), dbSNP rs62508646, ClinGen allele CA229298.